The following is an entry in ClinVar:

NM_020461.4(TUBGCP6):c.3941T>C (p.Val1314Ala)

Gene: TUBGCP6 (tubulin gamma complex component 6; minus strand). Cytogenetic location: 22q13.33.
Variant type: single nucleotide variant.
Coding change: c.3941T>C on transcript NM_020461.4 (MANE Select); coding-DNA position 3941, T replaced by C.
Protein change: p.Val1314Ala; replaces valine 1314 with alanine.
Molecular consequence: missense variant.
Genome position (GRCh38, 1-based): chr22:50,220,418, A>G on the plus strand (T>C on the coding strand, the complement: TUBGCP6 is on the minus strand). VCF-style: chr22-50220418-A-G. GRCh37 (hg19) VCF-style: chr22-50658847-A-G.
Other names: short protein forms V1314A.
Identifiers: ClinVar variation 3615427 (VCV003615427.2).

ClinVar aggregate classification (germline): Uncertain significance (1 of 4 stars; one submission).

gnomAD v4.1: 6 of 1,607,046 alleles (0.00037%); highest among the groups gnomAD compares: African/African-American, 0.0067%; no homozygotes.

Submission:

Labcorp Genetics (formerly Invitae), Labcorp
Classification: Uncertain significance. Last evaluated: 2024-11-03. Review status: criteria provided, single submitter. Criteria: Invitae Variant Classification Sherloc (09022015). Collection method: clinical testing. Allele origin: germline.
Comment: This sequence change replaces valine, which is neutral and non-polar, with alanine, which is neutral and non-polar, at codon 1314 of the TUBGCP6 protein (p.Val1314Ala). This variant is present in population databases (rs200474105, gnomAD 0.01%). This variant has not been reported in the literature in individuals affected with TUBGCP6-related conditions. An algorithm developed to predict the effect of missense changes on protein structure and function outputs the following: PolyPhen-2: "Benign". The alanine amino acid residue is found in multiple mammalian species, which suggests that this missense change does not adversely affect protein function. In summary, the available evidence is currently insufficient to determine the role of this variant in disease. Therefore, it has been classified as a Variant of Uncertain Significance.